The following is an entry in ClinVar:

Conditions:
Severe myoclonic epilepsy in infancy (DRVT). Also called: Epileptic encephalopathy, early infantile, 6 (Dravet syndrome); Dravet syndrome; SEVERE MYOCLONIC EPILEPSY OF INFANCY; DEVELOPMENTAL AND EPILEPTIC ENCEPHALOPATHY 6A; Severe Myoclonic Epilepsy in Infancy (SMEI). Identifiers: Orphanet 33069, MedGen C0751122, MONDO:0100135, OMIM 607208.

Submission:

Channelopathy-Associated Epilepsy Research Center
No classification provided (evidence only). Condition: Severe myoclonic epilepsy in infancy. Review status: no classification provided. Collection method: literature only. Allele origin: not applicable. Functional consequence: Mild decrease in peak current, Normal fast inactivation, Normal voltage dependence of activation, Normal slope of activation, Normal slope of fast inactivation, Normal voltage dependence of fast inactivation, Normal rate of recovery from fast inactivation, Severe increase in persistent current, Overall mixed or unclear functional effect with respect to biophysical channel activity.
ClinVar note: "not provided" was previously submitted as the classification for the variant. However, the classification appeared to be based only on an observation of functional data so it was converted to no classification on 2025-07-30.

Literature cited by the submitters: PubMed 17054685.

NM_001165963.4(SCN1A):c.5768A>G (p.Gln1923Arg)

Genes: SCN1A (sodium voltage-gated channel alpha subunit 1; minus strand), LOC102724058 (uncharacterized LOC102724058; plus strand). Cytogenetic location: 2q24.3.
Variant type: single nucleotide variant.
Coding change: c.5768A>G on transcript NM_001165963.4 (MANE Select); coding-DNA position 5768, A replaced by G.
Protein change: p.Gln1923Arg; replaces glutamine 1923 with arginine.
Molecular consequence: missense variant. On other transcripts: non-coding transcript variant (1).
Genome position (GRCh38, 1-based): chr2:165,991,507, T>C on the plus strand (A>G on the coding strand, the complement: SCN1A is on the minus strand). VCF-style: chr2-165991507-T-C. GRCh37 (hg19) VCF-style: chr2-166848017-T-C.
Other names: c.5684A>G, p.Gln1895Arg (NM_001165964.3, NM_001353957.2, NM_001353958.2); c.5768A>G, p.Gln1923Arg (NM_001202435.3, NM_001353948.2); c.5735A>G, p.Gln1912Arg (NM_001353949.2, NM_001353950.2, NM_001353951.2 and 2 more transcripts); c.5732A>G, p.Gln1911Arg (NM_001353954.2, NM_001353955.2); c.5681A>G, p.Gln1894Arg (NM_001353960.2); c.3326A>G, p.Gln1109Arg (NM_001353961.2); short protein forms Q1109R, Q1894R, Q1895R, Q1911R, Q1912R, Q1923R.
Identifiers: ClinVar variation 3067164 (VCV003067164.2), dbSNP rs1689139851, ClinGen allele CA349064040.
Genomic context (GRCh38, chr2:165,991,507, plus strand): 5'-TTGTACGTAAAGGAAGCTTGTTTTACAGTTCGCTTTAAAAGGTGGCGTCTGTAAGCACGC[T>C]GAATAATGACAGCAGATACTTCCTCTTGTTTTCGTTTTAAAGTAGTAGTGATTGGCTGAT-3'
Protein context (NP_001159435.1, residues 1913-1933): KQEEVSAVII[Gln1923Arg]RAYRRHLLKR